The following is an entry in ClinVar:

NM_017909.4(RMND1):c.1243C>G (p.Leu415Val)

Gene: RMND1 (required for meiotic nuclear division 1 homolog; minus strand). Cytogenetic location: 6q25.1.
Variant type: single nucleotide variant.
Coding change: c.1243C>G on transcript NM_017909.4 (MANE Select); coding-DNA position 1243, C replaced by G.
Protein change: p.Leu415Val; replaces leucine 415 with valine.
Molecular consequence: missense variant.
Genome position (GRCh38, 1-based): chr6:151,405,794, G>C on the plus strand (C>G on the coding strand, the complement: RMND1 is on the minus strand). VCF-style: chr6-151405794-G-C. GRCh37 (hg19) VCF-style: chr6-151726929-G-C.
Other names: c.733C>G, p.Leu245Val (NM_001271937.2); short protein forms L415V, L245V.
Identifiers: ClinVar variation 1917894 (VCV001917894.5), dbSNP rs933972957, ClinGen allele CA150154288.

ClinVar aggregate classification (germline): Uncertain significance (1 of 4 stars; one submission).

Allele frequency attached by ClinVar (database versions not stated): gnomAD exomes below 0.00001; TOPMed below 0.00001.
gnomAD v4.1: 2 of 1,612,182 alleles (0.00012%); highest among the groups gnomAD compares: Admixed American, 0.0017%; no homozygotes.

Submission:

Labcorp Genetics (formerly Invitae), Labcorp
Classification: Uncertain significance. Last evaluated: 2022-07-06. Review status: criteria provided, single submitter. Criteria: Invitae Variant Classification Sherloc (09022015). Collection method: clinical testing. Allele origin: germline.
Comment: This sequence change replaces leucine, which is neutral and non-polar, with valine, which is neutral and non-polar, at codon 415 of the RMND1 protein (p.Leu415Val). This variant is present in population databases (no rsID available, gnomAD 0.003%). This variant has not been reported in the literature in individuals affected with RMND1-related conditions. Algorithms developed to predict the effect of missense changes on protein structure and function are either unavailable or do not agree on the potential impact of this missense change (SIFT: "Tolerated"; PolyPhen-2: "Probably Damaging"; Align-GVGD: "Class C0"). In summary, the available evidence is currently insufficient to determine the role of this variant in disease. Therefore, it has been classified as a Variant of Uncertain Significance.